The following is an entry in ClinVar:

NM_031935.3(HMCN1):c.4910T>G (p.Val1637Gly)

Gene: HMCN1 (hemicentin 1; plus strand). Cytogenetic location: 1q31.1.
Variant type: single nucleotide variant.
Coding change: c.4910T>G on transcript NM_031935.3 (MANE Select); coding-DNA position 4910, T replaced by G.
Protein change: p.Val1637Gly; replaces valine 1637 with glycine.
Molecular consequence: missense variant.
Genome position (GRCh38, 1-based): chr1:186,015,958, T>G. VCF-style: chr1-186015958-T-G. GRCh37 (hg19) VCF-style: chr1-185985090-T-G.
Other names: short protein forms V1637G.
Identifiers: ClinVar variation 2106864 (VCV002106864.4), dbSNP rs2527527574, ClinGen allele CA343887195.

ClinVar aggregate classification (germline): Uncertain significance (1 of 4 stars; one submission).

Submission:

Labcorp Genetics (formerly Invitae), Labcorp
Classification: Uncertain significance. Last evaluated: 2022-03-04. Review status: criteria provided, single submitter. Criteria: Invitae Variant Classification Sherloc (09022015). Collection method: clinical testing. Allele origin: germline.
Comment: This sequence change replaces valine, which is neutral and non-polar, with glycine, which is neutral and non-polar, at codon 1637 of the HMCN1 protein (p.Val1637Gly). This variant is not present in population databases (gnomAD no frequency). This variant has not been reported in the literature in individuals affected with HMCN1-related conditions. Algorithms developed to predict the effect of missense changes on protein structure and function are either unavailable or do not agree on the potential impact of this missense change (SIFT: "Deleterious"; PolyPhen-2: "Benign"; Align-GVGD: "Class C0"). In summary, the available evidence is currently insufficient to determine the role of this variant in disease. Therefore, it has been classified as a Variant of Uncertain Significance.